The following is an entry in ClinVar:

Single allele

Gene: SPINK1 (serine peptidase inhibitor Kazal type 1; minus strand). Cytogenetic location: 5q32.
Variant type: Duplication.
Identifiers: ClinVar variation 459180 (VCV000459180.1).

ClinVar aggregate classification (germline): Uncertain significance (1 of 4 stars; one submission).

Conditions:
Hereditary pancreatitis (PCTT). Also called: Hereditary chronic pancreatitis; PRSS1-Related Hereditary Pancreatitis. Identifiers: Orphanet 676, MedGen C0238339, MONDO:0008185, OMIM 167800.

Submission:

Labcorp Genetics (formerly Invitae), Labcorp
Classification: Uncertain significance for Hereditary pancreatitis. Last evaluated: 2017-07-07. Review status: criteria provided, single submitter. Criteria: Invitae Variant Classification Sherloc (09022015). Collection method: clinical testing. Allele origin: germline.
Comment: A gross duplication of the genomic region encompassing the full coding sequence of the SPINK1 gene has been identified. The boundaries of this event are unknown as the duplication extends beyond the assayed region for this gene and therefore may encompass additional genes. As the precise location of this duplication is unknown, it may be in tandem or it may be located elsewhere in the genome. This variant has not been reported in the literature in individuals with SPINK1-related disease. In summary, the available evidence is currently insufficient to determine the role of this variant in disease. Therefore, it has been classified as a Variant of Uncertain Significance.